The following is an entry in ClinVar:

NM_001366385.1(CARD14):c.1100C>T (p.Ala367Val)

Gene: CARD14 (caspase recruitment domain family member 14; plus strand). Cytogenetic location: 17q25.3.
Variant type: single nucleotide variant.
Coding change: c.1100C>T on transcript NM_001366385.1 (MANE Select); coding-DNA position 1100, C replaced by T.
Protein change: p.Ala367Val; replaces alanine 367 with valine.
Molecular consequence: missense variant. On other transcripts: non-coding transcript variant (1).
Genome position (GRCh38, 1-based): chr17:80,191,333, C>T. VCF-style: chr17-80191333-C-T. GRCh37 (hg19) VCF-style: chr17-78165132-C-T.
Other names: c.1100C>T, p.Ala367Val (NM_024110.4, NM_001257970.1); c.1100C>T (NM_024110.3); c.389C>T, p.Ala130Val (NM_052819.3); short protein forms A130V, A367V.
Identifiers: ClinVar variation 645669 (VCV000645669.9), dbSNP rs549747651, ClinGen allele CA8816677.
Genomic context (GRCh38, chr17:80,191,333, plus strand): 5'-GCTCCCCGGTGGTGATGGCGCGGCCTCCTTACTCCCGTCGTGGCCCACAGGCGTACTCCG[C>T]GAGGGACAGTGCTCAGAGGGAGATTTCCCAGAGCCTGGTGGAGAAGGACTCCCTCCGCAG-3'
Protein context (NP_001353314.1, residues 357-377): LQKERDQAYS[Ala367Val]RDSAQREISQ

ClinVar aggregate classification (germline): Uncertain significance. Review status: criteria provided, multiple submitters, no conflicts (2 of 4 stars). 2 submissions from 2 submitters: Uncertain significance (2). Last evaluated 2025-07-31.

Conditions:
Inborn genetic diseases. Identifiers: MedGen C0950123, MeSH D030342.
Pityriasis rubra pilaris (PRP). Also called: Pityriasis rubra pilaris--familial type. Identifiers: Orphanet 2897, MedGen C0032027, MONDO:0100017, OMIM 173200, MONDO:0008251.
Psoriasis 2. Identifiers: MedGen C1864497, MONDO:0011269, OMIM 602723.

Allele frequency attached by ClinVar (database versions not stated): gnomAD 0.00003; TOPMed 0.00007; gnomAD exomes 0.00011; ExAC 0.00014; 1000 Genomes Project 0.00040; 1000 Genomes Project 30x 0.00062.
gnomAD v4.1: 101 of 1,613,106 alleles (0.0063%); highest among the groups gnomAD compares: South Asian, 0.055%; no homozygotes.

Submissions (2):

Labcorp Genetics (formerly Invitae), Labcorp
Classification: Uncertain significance for Pityriasis rubra pilaris; Psoriasis 2. Last evaluated: 2025-07-31. Review status: criteria provided, single submitter. Criteria: Invitae Variant Classification Sherloc (09022015). Collection method: clinical testing. Allele origin: germline.
Comment: This sequence change replaces alanine, which is neutral and non-polar, with valine, which is neutral and non-polar, at codon 367 of the CARD14 protein (p.Ala367Val). This variant is present in population databases (rs549747651, gnomAD 0.07%), and has an allele count higher than expected for a pathogenic variant. This variant has not been reported in the literature in individuals affected with CARD14-related conditions. ClinVar contains an entry for this variant (Variation ID: 645669). Invitae Evidence Modeling of protein sequence and biophysical properties (such as structural, functional, and spatial information, amino acid conservation, physicochemical variation, residue mobility, and thermodynamic stability) has been performed for this missense variant. However, the output from this modeling did not meet the statistical confidence thresholds required to predict the impact of this variant on CARD14 protein function. In summary, the available evidence is currently insufficient to determine the role of this variant in disease. Therefore, it has been classified as a Variant of Uncertain Significance.

Ambry Genetics
Classification: Uncertain significance for Inborn genetic diseases. Last evaluated: 2022-01-04. Review status: criteria provided, single submitter. Criteria: Ambry Variant Classification Scheme 2023. Collection method: clinical testing. Allele origin: germline.